The following is an entry in ClinVar:

NM_000053.4(ATP7B):c.1707+98G>A

Gene: ATP7B (ATPase copper transporting beta; minus strand). Cytogenetic location: 13q14.3.
Variant type: single nucleotide variant.
Coding change: c.1707+98G>A on transcript NM_000053.4 (MANE Select); 98 bases into the intron after coding-DNA position 1707, G replaced by A.
Molecular consequence: intron variant.
Genome position (GRCh38, 1-based): chr13:51,968,346, C>T on the plus strand (G>A on the coding strand, the complement: ATP7B is on the minus strand). VCF-style: chr13-51968346-C-T. GRCh37 (hg19) VCF-style: chr13-52542482-C-T.
Other names: c.1374+98G>A (NM_001243182.2); c.1707+98G>A (NM_001005918.3, NM_001330579.2, NM_001330578.2).
Identifiers: ClinVar variation 678340 (VCV000678340.1), dbSNP rs77703666, ClinGen allele CA250064770.

ClinVar aggregate classification (germline): Likely benign (1 of 4 stars; one submission).

Allele frequency attached by ClinVar (database versions not stated): 1000 Genomes Project 30x 0.00593; 1000 Genomes Project 0.00619; TOPMed 0.00384.

Submission:

GeneDx
Classification: Likely benign. Last evaluated: 2018-06-16. Review status: criteria provided, single submitter. Criteria: GeneDx Variant Classification (06012015). Collection method: clinical testing. Allele origin: germline. Affected: yes.
Comment: This variant is considered likely benign or benign based on one or more of the following criteria: it is a conservative change, it occurs at a poorly conserved position in the protein, it is predicted to be benign by multiple in silico algorithms, and/or has population frequency not consistent with disease.